The following is an entry in ClinVar:

ClinVar aggregate classification (germline): Conflicting classifications of pathogenicity. Review status: criteria provided, conflicting classifications (1 of 4 stars). 6 submissions from 6 submitters: Uncertain significance (5); Benign (1). Last evaluated 2025-09-16.

Conditions:
Familial adenomatous polyposis 2. Also called: Adenomas, multiple colorectal; MUTYH Polyposis; COLORECTAL ADENOMATOUS POLYPOSIS, AUTOSOMAL RECESSIVE; ADENOMAS, MULTIPLE COLORECTAL, AUTOSOMAL RECESSIVE; MUTYH-associated polyposis; MUTYH-related attenuated familial adenomatous polyposis. Identifiers: Orphanet 220460, Orphanet 247798, MedGen C3272841, MONDO:0012041, OMIM 608456.
Hereditary cancer-predisposing syndrome. Also called: Neoplastic Syndromes, Hereditary; Tumor predisposition; Hereditary Cancer Syndrome; Hereditary neoplastic syndrome. Identifiers: Orphanet 140162, MedGen C0027672, MeSH D009386, MONDO:0015356.

Allele frequency attached by ClinVar (database versions not stated): gnomAD exomes below 0.00001; ExAC 0.00001.
gnomAD v4.1: 1 of 1,614,208 alleles (0.000062%); highest among the groups gnomAD compares: African/African-American, 0.0013%; no homozygotes.

Submissions (6):

Ambry Genetics
Classification: Benign for Hereditary cancer-predisposing syndrome. Last evaluated: 2025-09-16. Review status: criteria provided, single submitter. Criteria: Ambry Variant Classification Scheme 2023. Collection method: clinical testing. Allele origin: germline.

Labcorp Genetics (formerly Invitae), Labcorp
Classification: Uncertain significance for Familial adenomatous polyposis 2. Last evaluated: 2025-07-30. Review status: criteria provided, single submitter. Criteria: Invitae Variant Classification Sherloc (09022015). Collection method: clinical testing. Allele origin: germline.
Comment: This sequence change replaces serine, which is neutral and polar, with threonine, which is neutral and polar, at codon 254 of the MUTYH protein (p.Ser254Thr). This variant is not present in population databases (gnomAD no frequency). This variant has not been reported in the literature in individuals affected with MUTYH-related conditions. ClinVar contains an entry for this variant (Variation ID: 927155). An algorithm developed to predict the effect of missense changes on protein structure and function outputs the following: PolyPhen-2: "Benign". The threonine amino acid residue is found in multiple mammalian species, which suggests that this missense change does not adversely affect protein function. In summary, the available evidence is currently insufficient to determine the role of this variant in disease. Therefore, it has been classified as a Variant of Uncertain Significance.

GeneDx
Classification: Uncertain significance. Last evaluated: 2024-12-06. Review status: criteria provided, single submitter. Criteria: GeneDx Variant Classification Process June 2021. Collection method: clinical testing. Allele origin: germline. Affected: yes.
Comment: Not observed at significant frequency in large population cohorts (gnomAD); In silico analysis indicates that this missense variant does not alter protein structure/function; Has not been previously published as pathogenic or benign to our knowledge; This variant is associated with the following publications: (PMID: 23108399, 11801590)

Mayo Clinic Laboratories, Mayo Clinic
Classification: Uncertain significance. Last evaluated: 2024-05-03. Review status: criteria provided, single submitter. Criteria: ACMG Guidelines, 2015. Collection method: clinical testing. Allele origin: germline. Observed: 1 variant allele.
Comment: PM2

All of Us Research Program, National Institutes of Health
Classification: Uncertain significance for Familial adenomatous polyposis 2. Last evaluated: 2024-01-11. Review status: criteria provided, single submitter. Criteria: ACMG Guidelines, 2015. Collection method: clinical testing. Allele origin: germline. Inheritance: Autosomal recessive inheritance. Observed: 1 variant allele, 1 heterozygote.
Comment: This study involves interpretation of variants in research participants for the purpose of population health screening. Participant phenotype was not available at the time of variant classification. Additional details can be found in publication PMID: 35346344, PMCID: PMC8962531

Color Diagnostics, LLC DBA Color Health
Classification: Uncertain significance for Hereditary cancer-predisposing syndrome. Last evaluated: 2023-12-05. Review status: criteria provided, single submitter. Criteria: ACMG Guidelines, 2015. Collection method: clinical testing. Allele origin: germline.
Comment: This missense variant replaces serine with threonine at codon 254 of the MUTYH protein. Computational prediction suggests that this variant may not impact protein structure and function (internally defined REVEL score threshold <= 0.5, PMID: 27666373). To our knowledge, functional studies have not been reported for this variant. This variant has not been reported in individuals affected with MUTYH-related disorders in the literature. This variant has not been identified in the general population by the Genome Aggregation Database (gnomAD). The available evidence is insufficient to determine the role of this variant in disease conclusively. Therefore, this variant is classified as a Variant of Uncertain Significance.

NM_001048174.2(MUTYH):c.677G>C (p.Ser226Thr)

Gene: MUTYH (mutY DNA glycosylase; minus strand). Cytogenetic location: 1p34.1.
Variant type: single nucleotide variant.
Coding change: c.677G>C on transcript NM_001048174.2 (MANE Select); coding-DNA position 677, G replaced by C.
Protein change: p.Ser226Thr; replaces serine 226 with threonine.
Molecular consequence: missense variant. On other transcripts: non-coding transcript variant (2).
Genome position (GRCh38, 1-based): chr1:45,332,418, C>G on the plus strand (G>C on the coding strand, the complement: MUTYH is on the minus strand). VCF-style: chr1-45332418-C-G. GRCh37 (hg19) VCF-style: chr1-45798090-C-G.
Other names: p.Ser254Thr; c.677G>C, p.Ser226Thr (NM_001048171.2, NM_001048173.2, NM_001293195.2); c.680G>C, p.Ser227Thr (NM_001048172.2); c.761G>C, p.Ser254Thr (NM_001128425.2); c.722G>C, p.Ser241Thr (NM_001293190.2); c.710G>C, p.Ser237Thr (NM_001293191.2); c.401G>C, p.Ser134Thr (NM_001293192.2, NM_001293196.2); c.332G>C, p.Ser111Thr (NM_001350650.2, NM_001350651.2); and 1 more; short protein forms S111T, S227T, S134T, S226T, S237T, S241T, S251T, S254T.
Identifiers: ClinVar variation 927155 (VCV000927155.14), dbSNP rs754652471, ClinGen allele CA059004.